The following is an entry in ClinVar:

ClinVar aggregate classification (germline): Uncertain significance. Review status: criteria provided, multiple submitters, no conflicts (2 of 4 stars). 2 submissions from 2 submitters: Uncertain significance (2). Last evaluated 2025-05-14.

Conditions:
Hereditary pancreatitis (PCTT). Also called: Hereditary chronic pancreatitis; PRSS1-Related Hereditary Pancreatitis. Identifiers: Orphanet 676, MedGen C0238339, MONDO:0008185, OMIM 167800.

Submissions (2):

Ambry Genetics
Classification: Uncertain significance for Hereditary pancreatitis. Last evaluated: 2025-05-14. Review status: criteria provided, single submitter. Criteria: Ambry Variant Classification Scheme 2023. Collection method: clinical testing. Allele origin: germline.

Labcorp Genetics (formerly Invitae), Labcorp
Classification: Uncertain significance for Hereditary pancreatitis. Last evaluated: 2025-03-23. Review status: criteria provided, single submitter. Criteria: Invitae Variant Classification Sherloc (09022015). Collection method: clinical testing. Allele origin: germline.
Comment: This sequence change replaces asparagine, which is neutral and polar, with histidine, which is basic and polar, at codon 42 of the PRSS1 protein (p.Asn42His). The frequency data for this variant in the population databases is considered unreliable, as metrics indicate poor data quality at this position in the gnomAD database. This variant has not been reported in the literature in individuals affected with PRSS1-related conditions. Invitae Evidence Modeling of protein sequence and biophysical properties (such as structural, functional, and spatial information, amino acid conservation, physicochemical variation, residue mobility, and thermodynamic stability) indicates that this missense variant is not expected to disrupt PRSS1 protein function with a negative predictive value of 80%. In summary, the available evidence is currently insufficient to determine the role of this variant in disease. Therefore, it has been classified as a Variant of Uncertain Significance.

NM_002769.5(PRSS1):c.124A>C (p.Asn42His)

Genes: PRSS1 (serine protease 1; plus strand), TRB (T cell receptor beta locus; plus strand). Cytogenetic location: 7q34.
Variant type: single nucleotide variant.
Coding change: c.124A>C on transcript NM_002769.5 (MANE Select); coding-DNA position 124, A replaced by C.
Protein change: p.Asn42His; replaces asparagine 42 with histidine.
Molecular consequence: missense variant. On other transcripts: non-coding transcript variant (4).
Genome position (GRCh38, 1-based): chr7:142,750,638, A>C. VCF-style: chr7-142750638-A-C. GRCh37 (hg19) VCF-style: chr7-142458489-A-C.
Other names: short protein forms N42H.
Identifiers: ClinVar variation 3939065 (VCV003939065.2).